The following is an entry in ClinVar:

NM_022124.6(CDH23):c.2832C>T (p.Ser944=)

Gene: CDH23 (cadherin related 23; plus strand). Cytogenetic location: 10q22.1.
Variant type: single nucleotide variant.
Coding change: c.2832C>T on transcript NM_022124.6 (MANE Select); coding-DNA position 2832, C replaced by T.
Protein change: p.Ser944=; no amino-acid change (serine 944 retained).
Molecular consequence: synonymous variant.
Genome position (GRCh38, 1-based): chr10:71,705,009, C>T. VCF-style: chr10-71705009-C-T. GRCh37 (hg19) VCF-style: chr10-73464766-C-T.
Other names: c.2832C>T, p.Ser944= (NM_001171930.2, NM_001171931.2); c.2832C>T (NM_022124.5).
Identifiers: ClinVar variation 1105327 (VCV001105327.12), dbSNP rs775998990, ClinGen allele CA5544353.

ClinVar aggregate classification (germline): Likely benign. Review status: criteria provided, multiple submitters, no conflicts (2 of 4 stars). 3 submissions from 3 submitters: Likely benign (2). 1 of the submissions does not count toward it. Last evaluated 2026-01-11.

Conditions:
CDH23-related disorder. Also called: CDH23-related condition; CDH23-related disorders.

Allele frequency attached by ClinVar (database versions not stated): ExAC 0.00001; gnomAD exomes 0.00002 and 0.00003; gnomAD 0.00005 and 0.00006; TOPMed 0.00008.
gnomAD v4.1: 56 of 1,612,656 alleles (0.0035%); highest among the groups gnomAD compares: East Asian, 0.069%; no homozygotes.

Submissions (3):

Labcorp Genetics (formerly Invitae), Labcorp
Classification: Likely benign. Last evaluated: 2026-01-11. Review status: criteria provided, single submitter. Criteria: Invitae Variant Classification Sherloc (09022015). Collection method: clinical testing. Allele origin: germline.

Blueprint Genetics
Classification: Likely benign. Last evaluated: 2022-07-21. Review status: criteria provided, single submitter. Criteria: ACMG Guidelines, 2015. Collection method: clinical testing. Allele origin: germline.

PreventionGenetics, part of Exact Sciences
Classification: Likely benign for CDH23-related condition. Last evaluated: 2021-04-26. Review status: no assertion criteria provided. Collection method: clinical testing. Allele origin: germline. Not counted in ClinVar's aggregate classification.
Comment: This variant is classified as likely benign based on ACMG/AMP sequence variant interpretation guidelines (Richards et al. 2015 PMID: 25741868, with internal and published modifications).